The following is an entry in ClinVar:

NM_001793.6(CDH3):c.2002+5G>A

Gene: CDH3 (cadherin 3; plus strand). Cytogenetic location: 16q22.1.
Variant type: single nucleotide variant.
Coding change: c.2002+5G>A on transcript NM_001793.6 (MANE Select); 5 bases into the intron after coding-DNA position 2002, G replaced by A.
Molecular consequence: intron variant.
Genome position (GRCh38, 1-based): chr16:68,691,931, G>A. VCF-style: chr16-68691931-G-A. GRCh37 (hg19) VCF-style: chr16-68725834-G-A.
Other names: c.1837+5G>A (NM_001317196.2); c.2002+5G>A (NM_001317195.3).
Identifiers: ClinVar variation 841386 (VCV000841386.7), dbSNP rs902162035, ClinGen allele CA283286405.

ClinVar aggregate classification (germline): Likely pathogenic (1 of 4 stars; one submission).

Allele frequency attached by ClinVar (database versions not stated): gnomAD exomes below 0.00001; TOPMed 0.00003.
gnomAD v4.1: 2 of 1,607,728 alleles (0.00012%); highest among the groups gnomAD compares: African/African-American, 0.0013%; no homozygotes.

Submission:

Labcorp Genetics (formerly Invitae), Labcorp
Classification: Likely pathogenic. Last evaluated: 2025-05-12. Review status: criteria provided, single submitter. Criteria: Invitae Variant Classification Sherloc (09022015). Collection method: clinical testing. Allele origin: germline.
Comment: This sequence change falls in intron 13 of the CDH3 gene. It does not directly change the encoded amino acid sequence of the CDH3 protein. It affects a nucleotide within the consensus splice site. This variant is not present in population databases (gnomAD no frequency). This variant has been observed in individual(s) with clinical features of hypotrichosis with juvenile macular dystrophy (internal data). In at least one individual the data is consistent with being in trans (on the opposite chromosome) from a pathogenic variant. It has also been observed to segregate with disease in related individuals. ClinVar contains an entry for this variant (Variation ID: 841386). Variants that disrupt the consensus splice site are a relatively common cause of aberrant splicing (PMID: 17576681, 9536098). Algorithms developed to predict the effect of sequence changes on RNA splicing suggest that this variant may disrupt the consensus splice site. In summary, the currently available evidence indicates that the variant is pathogenic, but additional data are needed to prove that conclusively. Therefore, this variant has been classified as Likely Pathogenic.

Literature cited by the submitters: PubMed 17576681; PubMed 9536098.